The following is an entry in ClinVar:

ClinVar aggregate classification (germline): Uncertain significance (1 of 4 stars; one submission).

Submission:

GeneDx
Classification: Uncertain significance. Last evaluated: 2023-12-28. Review status: criteria provided, single submitter. Criteria: GeneDx Variant Classification Process June 2021. Collection method: clinical testing. Allele origin: germline. Affected: yes.
Comment: Not observed at significant frequency in large population cohorts (gnomAD); Has not been previously published as pathogenic or benign to our knowledge; In silico analysis is inconclusive as to whether the variant alters gene splicing. In the absence of RNA/functional studies, the actual effect of this sequence change is unknown.

NM_000368.5(TSC1):c.2814-8T>C

Gene: TSC1 (TSC complex subunit 1; minus strand). Cytogenetic location: 9q34.13.
Variant type: single nucleotide variant.
Coding change: c.2814-8T>C on transcript NM_000368.5 (MANE Select); 8 bases into the intron before coding-DNA position 2814, T replaced by C.
Molecular consequence: intron variant.
Genome position (GRCh38, 1-based): chr9:132,897,353, A>G on the plus strand (T>C on the coding strand, the complement: TSC1 is on the minus strand). VCF-style: chr9-132897353-A-G. GRCh37 (hg19) VCF-style: chr9-135772740-A-G.
Other names: c.2448-8T>C (NM_001406620.1, NM_001406621.1, NM_001406622.1 and 1 more transcripts); c.2451-8T>C (NM_001406618.1, NM_001406617.1, NM_001406619.1 and 4 more transcripts); c.2406-8T>C (NM_001406625.1); c.2616-8T>C (NM_001406613.1); c.2658-8T>C (NM_001406612.1, NM_001406611.1); c.2661-8T>C (NM_001406610.1, NM_001162427.2); c.1860-8T>C (NM_001406627.1, NM_001406628.1); c.1761-8T>C (NM_001406629.1, NM_001406630.1); and 8 more.
Identifiers: ClinVar variation 3367298 (VCV003367298.1).